The following is an entry in ClinVar:

NM_020778.5(ALPK3):c.4366A>C (p.Ser1456Arg)

Gene: ALPK3 (alpha kinase 3; plus strand). Cytogenetic location: 15q25.3.
Variant type: single nucleotide variant.
Coding change: c.4366A>C on transcript NM_020778.5 (MANE Select); coding-DNA position 4366, A replaced by C.
Protein change: p.Ser1456Arg; replaces serine 1456 with arginine.
Molecular consequence: missense variant.
Genome position (GRCh38, 1-based): chr15:84,862,871, A>C. VCF-style: chr15-84862871-A-C. GRCh37 (hg19) VCF-style: chr15-85406102-A-C.
Other names: short protein forms S1456R.
Identifiers: ClinVar variation 2814071 (VCV002814071.3), dbSNP rs2505727643, ClinGen allele CA393363369.

ClinVar aggregate classification (germline): Uncertain significance (1 of 4 stars; one submission).

Submission:

Labcorp Genetics (formerly Invitae), Labcorp
Classification: Uncertain significance. Last evaluated: 2025-09-01. Review status: criteria provided, single submitter. Criteria: Invitae Variant Classification Sherloc (09022015). Collection method: clinical testing. Allele origin: germline.
Comment: This sequence change replaces serine, which is neutral and polar, with arginine, which is basic and polar, at codon 1658 of the ALPK3 protein (p.Ser1658Arg). This variant is not present in population databases (gnomAD no frequency). This variant has not been reported in the literature in individuals affected with ALPK3-related conditions. ClinVar contains an entry for this variant (Variation ID: 2814071). Invitae Evidence Modeling of protein sequence and biophysical properties (such as structural, functional, and spatial information, amino acid conservation, physicochemical variation, residue mobility, and thermodynamic stability) indicates that this missense variant is expected to disrupt ALPK3 protein function with a positive predictive value of 80%. In summary, the available evidence is currently insufficient to determine the role of this variant in disease. Therefore, it has been classified as a Variant of Uncertain Significance.